The following is an entry in ClinVar:

NM_007254.4(PNKP):c.718G>A (p.Val240Met)

Gene: PNKP (polynucleotide kinase 3'-phosphatase; minus strand). Cytogenetic location: 19q13.33.
Variant type: single nucleotide variant.
Coding change: c.718G>A on transcript NM_007254.4 (MANE Select); coding-DNA position 718, G replaced by A.
Protein change: p.Val240Met; replaces valine 240 with methionine.
Molecular consequence: missense variant.
Genome position (GRCh38, 1-based): chr19:49,863,990, C>T on the plus strand (G>A on the coding strand, the complement: PNKP is on the minus strand). VCF-style: chr19-49863990-C-T. GRCh37 (hg19) VCF-style: chr19-50367247-C-T.
Other names: short protein forms V240M.
Identifiers: ClinVar variation 432718 (VCV000432718.13), dbSNP rs1315272571, ClinGen allele CA406886094.

ClinVar aggregate classification (germline): Uncertain significance. Review status: criteria provided, multiple submitters, no conflicts (2 of 4 stars). 2 submissions from 2 submitters: Uncertain significance (2). Last evaluated 2024-04-22.

Conditions:
Developmental and epileptic encephalopathy, 12 (DEE12). Identifiers: MedGen C3150988, MONDO:0013389, OMIM 613722.

Allele frequency attached by ClinVar (database versions not stated): gnomAD exomes below 0.00001; gnomAD 0.00001; TOPMed 0.00001.

Submissions (2):

Labcorp Genetics (formerly Invitae), Labcorp
Classification: Uncertain significance for Developmental and epileptic encephalopathy, 12. Last evaluated: 2024-04-22. Review status: criteria provided, single submitter. Criteria: Invitae Variant Classification Sherloc (09022015). Collection method: clinical testing. Allele origin: germline.
Comment: This sequence change replaces valine, which is neutral and non-polar, with methionine, which is neutral and non-polar, at codon 240 of the PNKP protein (p.Val240Met). This variant is present in population databases (no rsID available, gnomAD 0.006%). This variant has not been reported in the literature in individuals affected with PNKP-related conditions. ClinVar contains an entry for this variant (Variation ID: 432718). Advanced modeling of protein sequence and biophysical properties (such as structural, functional, and spatial information, amino acid conservation, physicochemical variation, residue mobility, and thermodynamic stability) performed at Invitae indicates that this missense variant is not expected to disrupt PNKP protein function with a negative predictive value of 80%. In summary, the available evidence is currently insufficient to determine the role of this variant in disease. Therefore, it has been classified as a Variant of Uncertain Significance.

GeneDx
Classification: Uncertain significance. Last evaluated: 2017-06-13. Review status: criteria provided, single submitter. Criteria: GeneDx Variant Classification (06012015). Collection method: clinical testing. Allele origin: germline. Affected: yes.
Comment: A variant of uncertain significance has been identified in the PNKP gene. The V240M variant has not been published as a pathogenic variant, nor has it been reported as a benign variant to our knowledge. The V240M variant is not observed in large population cohorts (Lek et al., 2016; 1000 Genomes Consortium et al., 2015; Exome Variant Server). The V240M variant is a conservative amino acid substitution, which is not likely to impact secondary protein structure as these residues share similar properties. This substitution occurs at a position where amino acids with similar properties to Valine are tolerated across species. However, in silico analysis is inconsistent in its predictions as to whether or not the variant is damaging to the protein structure/function. Therefore, based on the currently available information, it is unclear whether this variant is a pathogenic variant or a rare benign variant.